The following is an entry in ClinVar:

NM_001371727.1(GABRB2):c.376AAG[1] (p.Lys127del)

Gene: GABRB2 (gamma-aminobutyric acid type A receptor subunit beta2; minus strand). Cytogenetic location: 5q34.
Variant type: Microsatellite.
Coding change: c.376AAG[1] on transcript NM_001371727.1 (MANE Select); one copy of the 3-base unit AAG starting at c.376; the reference has two copies in a row; one copy, 3 bases deleted.
Protein change: p.Lys127del; deletes lysine 127.
Molecular consequence: inframe deletion.
Genome position (GRCh38, 1-based): chr5:161,459,701-161,459,703, CTT deleted on the plus strand (AAG on the coding strand, the reverse complement: GABRB2 is on the minus strand); deleting any 3 consecutive bases within chr5:161,459,701-161,459,706 gives the same sequence; the position shown is the placement nearest the transcript's 3' end. VCF-style (leftmost placement, unchanged base first): chr5-161459700-ACTT-A. GRCh37 (hg19) VCF-style: chr5-160886706-ACTT-A.
Other names: c.376AAG[1], p.Lys127del (NM_000813.3, NM_021911.3); short protein forms K127del.
Identifiers: ClinVar variation 1805082 (VCV001805082.2), dbSNP rs2479999922, ClinGen allele CA2573050758.
Genomic context (GRCh38, chr5:161,459,700, plus strand): 5'-CGGTGCCATCAGGATGCAGGCGAATCATGCGGTTCTTAACAGTCACTCCGTGCACAAATG[ACTT>A]CTTATCGTTCAGGAAATAGGTATCAGGCACCCAGAGCTGGTCTGCCACTCTGTTGTCCAG-3'

ClinVar aggregate classification (germline): Uncertain significance (1 of 4 stars; one submission).

Conditions:
Developmental and epileptic encephalopathy 92. Also called: EPILEPTIC ENCEPHALOPATHY, INFANTILE OR EARLY CHILDHOOD, 2. Identifiers: MedGen C4693362, MONDO:0020631, OMIM 617829.

Submission:

Victorian Clinical Genetics Services, Murdoch Childrens Research Institute
Classification: Uncertain significance for Developmental and epileptic encephalopathy 92. Last evaluated: 2022-02-02. Review status: criteria provided, single submitter. Criteria: ACMG Guidelines, 2015. Collection method: clinical testing. Allele origin: germline. Inheritance: Autosomal dominant inheritance. Affected: yes.
Comment: Based on the classification scheme VCGS_Germline_v1.3.4, this variant is classified as VUS-3B. Following criteria are met: 0104 - Dominant negative is a known mechanism of disease in this gene and is associated with developmental and epileptic encephalopathy 92 (MIM#617829)(PMID: 27789573). (I) 0107 - This gene is associated with autosomal dominant disease. (I) 0115 - Variants in this gene are known to have variable expressivity. Developmental delay and motor delay have been seen to be be variably expressed and have variable severities in individuals with GABRB2-related epileptic encephalopathy (PMIDs: 33325057, 32686847). (I) 0213 - In-frame deletion in a non-repetitive region that has high conservation. (SP) 0251 - This variant is heterozygous. (I) 0301 - Variant is absent from gnomAD (both v2 and v3). (SP) 0603 - Single amino acid deletion variant in a region that is highly intolerant to missense variation (high constraint region in DECIPHER). (SP) 0705 - No comparable in frame deletion variants have previous evidence for pathogenicity. (I) 0807 - This variant has no previous evidence of pathogenicity. (I) 0905 - No published segregation evidence has been identified for this variant. (I) 1007 - No published functional evidence has been identified for this variant. (I) 1208 - Inheritance information for this variant is not currently available in this individual. (I) Legend: (SP) - Supporting pathogenic, (I) - Information, (SB) - Supporting benign

Literature cited by the submitters: PubMed 27789573; PubMed 32686847; PubMed 33325057.